The following is an entry in ClinVar:

NM_001145809.2(MYH14):c.4753-9C>T

Gene: MYH14 (myosin heavy chain 14; plus strand). Cytogenetic location: 19q13.33.
Variant type: single nucleotide variant.
Coding change: c.4753-9C>T on transcript NM_001145809.2 (MANE Select); 9 bases into the intron before coding-DNA position 4753, C replaced by T.
Molecular consequence: intron variant.
Genome position (GRCh38, 1-based): chr19:50,289,427, C>T. VCF-style: chr19-50289427-C-T. GRCh37 (hg19) VCF-style: chr19-50792684-C-T.
Other names: p.?; c.4654-9C>T (NM_001077186.2); c.4630-9C>T (NM_024729.4).
Identifiers: ClinVar variation 44072 (VCV000044072.19), dbSNP rs45591233, ClinGen allele CA133503.

ClinVar aggregate classification (germline): Benign. Review status: criteria provided, multiple submitters, no conflicts (2 of 4 stars). 8 submissions from 8 submitters: Benign (8). Last evaluated 2026-02-01.

Conditions:
Autosomal dominant nonsyndromic hearing loss 4A. Also called: Deafness, autosomal dominant 4A. Identifiers: Orphanet 90635, MedGen C1833503, MONDO:0010915, OMIM 600652.

Allele frequency attached by ClinVar (database versions not stated): gnomAD exomes 0.03097 and 0.02341; ExAC 0.04065; 1000 Genomes Project 0.01318; 1000 Genomes Project 30x 0.01452; gnomAD 0.02341 and 0.02396; TOPMed 0.02350; ESP Exome Variant Server 0.02501.
gnomAD v4.1: 48,255 of 1,600,376 alleles (3%); highest among the groups gnomAD compares: Non-Finnish European, 3.5%; 797 homozygotes.

Submissions (8):

Labcorp Genetics (formerly Invitae), Labcorp
Classification: Benign. Last evaluated: 2026-02-01. Review status: criteria provided, single submitter. Criteria: Invitae Variant Classification Sherloc (09022015). Collection method: clinical testing. Allele origin: germline.

Mayo Clinic Laboratories, Mayo Clinic
Classification: Benign. Last evaluated: 2021-08-26. Review status: criteria provided, single submitter. Criteria: ACMG Guidelines, 2015. Collection method: clinical testing. Allele origin: germline. Observed: 90 variant alleles.
Comment: BA1, BS2

Athena Diagnostics
Classification: Benign. Last evaluated: 2018-12-07. Review status: criteria provided, single submitter. Criteria: Athena Diagnostics Criteria. Collection method: clinical testing. Allele origin: germline.

Illumina Laboratory Services, Illumina
Classification: Benign for Autosomal dominant nonsyndromic hearing loss 4A. Last evaluated: 2018-01-13. Review status: criteria provided, single submitter. Criteria: ICSL Variant Classification Criteria 13 December 2019. Collection method: clinical testing. Allele origin: germline.
Comment: This variant was observed in the ICSL laboratory as part of a predisposition screen in an ostensibly healthy population. It had not been previously curated by ICSL or reported in the Human Gene Mutation Database (HGMD: prior to June 1st, 2018), and was therefore a candidate for classification through an automated scoring system. Utilizing variant allele frequency, disease prevalence and penetrance estimates, and inheritance mode, an automated score was calculated to assess if this variant is too frequent to cause the disease. Based on the score and internal cut-off values, a variant classified as benign is not then subjected to further curation. The score for this variant resulted in a classification of benign for this disease.

GeneDx
Classification: Benign. Last evaluated: 2017-10-13. Review status: criteria provided, single submitter. Criteria: GeneDx Variant Classification (06012015). Collection method: clinical testing. Allele origin: germline. Affected: yes.
Comment: This variant is considered likely benign or benign based on one or more of the following criteria: it is a conservative change, it occurs at a poorly conserved position in the protein, it is predicted to be benign by multiple in silico algorithms, and/or has population frequency not consistent with disease.

Laboratory for Molecular Medicine, Mass General Brigham Personalized Medicine
Classification: Benign. Last evaluated: 2012-05-07. Review status: criteria provided, single submitter. Criteria: LMM Criteria. Collection method: clinical testing. Allele origin: germline. Observed: 66 variant alleles.
Comment: 4753-9C>T in Intron 34 of MYH14: This variant is not expected to have clinical s ignificance because it has been identified in 3.5% (244/6890) of European Americ an chromosomes from a broad population by the NHLBI Exome Sequencing Project (dbSNP rs45591233).

Breakthrough Genomics
Classification: Benign. Review status: criteria provided, single submitter. Criteria: ACMG Guidelines, 2015. Collection method: not provided. Allele origin: germline. Inheritance: Autosomal dominant inheritance. Affected: yes.

PreventionGenetics, part of Exact Sciences
Classification: Benign. Review status: criteria provided, single submitter. Criteria: ACMG Guidelines, 2015. Collection method: clinical testing. Allele origin: germline.